The following is an entry in ClinVar:

NM_001371986.1(UNC80):c.3250+7G>A

Gene: UNC80 (unc-80 subunit of NALCN channel complex; plus strand). Cytogenetic location: 2q34.
Variant type: single nucleotide variant.
Coding change: c.3250+7G>A on transcript NM_001371986.1 (MANE Select); 7 bases into the intron after coding-DNA position 3250, G replaced by A.
Molecular consequence: intron variant. On other transcripts: splice donor variant (2).
Genome position (GRCh38, 1-based): chr2:209,839,437, G>A. VCF-style: chr2-209839437-G-A. GRCh37 (hg19) VCF-style: chr2-210704161-G-A.
Other names: c.3256+1G>A (NM_032504.2); c.3241+1G>A (NM_182587.4).
Identifiers: ClinVar variation 2807976 (VCV002807976.3), dbSNP rs1026278966, ClinGen allele CA64685217.
Genomic context (GRCh38, chr2:209,839,437, plus strand): 5'-CCCGCTCACGATCCCGCAGAATTTCCCTCCGAAAGAAGCTTAAACTCCCCATAGGTAAAA[G>A]TATGTCTGTATTTGTTTATGGATTATCTTATTACCAACCATGTCCTCAGATCAACTCAGT-3'

ClinVar aggregate classification (germline): Likely pathogenic (1 of 4 stars; one submission).

Allele frequency attached by ClinVar (database versions not stated): gnomAD exomes 0.00001.
gnomAD v4.1: 6 of 1,551,742 alleles (0.00039%); highest among the groups gnomAD compares: East Asian, 0.012%; no homozygotes.

Submission:

Labcorp Genetics (formerly Invitae), Labcorp
Classification: Likely pathogenic. Last evaluated: 2024-07-12. Review status: criteria provided, single submitter. Criteria: Invitae Variant Classification Sherloc (09022015). Collection method: clinical testing. Allele origin: germline.
Comment: This sequence change affects a donor splice site in intron 19 of the UNC80 gene. It is expected to disrupt RNA splicing. Variants that disrupt the donor or acceptor splice site typically lead to a loss of protein function (PMID: 16199547), and loss-of-function variants in UNC80 are known to be pathogenic (PMID: 26545877, 26708751, 26708753). This variant is present in population databases (no rsID available, gnomAD 0.008%). This variant has not been reported in the literature in individuals affected with UNC80-related conditions. Algorithms developed to predict the effect of sequence changes on RNA splicing suggest that this variant may disrupt the consensus splice site. In summary, the currently available evidence indicates that the variant is pathogenic, but additional data are needed to prove that conclusively. Therefore, this variant has been classified as Likely Pathogenic.

Literature cited by the submitters: PubMed 16199547; PubMed 26545877; PubMed 26708751; PubMed 26708753.